The following is an entry in ClinVar:

ClinVar aggregate classification (germline): Conflicting classifications of pathogenicity. Review status: criteria provided, conflicting classifications (1 of 4 stars). 9 submissions from 9 submitters: Likely pathogenic (1); Uncertain significance (8). Last evaluated 2026-06-16.

Conditions:
Cardiovascular phenotype. Identifiers: MedGen CN230736.
Cardiomyopathy (CMYO). Also called: Cardiomyopathies. Identifiers: Orphanet 167848, MedGen C0878544, MONDO:0004994, HP:0001638. Inheritance: Various modes of inheritance.
Myosin storage myopathy (CMYO7A). Also called: MYH7-related late-onset scapuloperoneal muscular dystrophy; Congenital myopathy 7A, myosin storage, autosomal dominant; MYOPATHY, HYALINE BODY, AUTOSOMAL DOMINANT; Scapuloperoneal myopathy, MYH7-related; SCAPULOPERONEAL MUSCULAR DYSTROPHY; SCAPULOPERONEAL SYNDROME, MYOPATHIC TYPE. Identifiers: Orphanet 437572, Orphanet 636965, MedGen C1842160, MONDO:0008409, OMIM 608358.
Congenital myopathy with fiber type disproportion. Also called: Congenital fiber-type disproportion myopathy; Congenital fiber-type disproportion. Identifiers: Orphanet 2020, MedGen C0546264, MONDO:0009711. Inheritance: all.
MYH7-related skeletal myopathy. Also called: Laing distal myopathy; Myopathy, distal, 1; Laing early-onset distal myopathy; MYOPATHY, DISTAL, EARLY-ONSET, AUTOSOMAL DOMINANT; MYOPATHY, LATE DISTAL HEREDITARY. Identifiers: Orphanet 59135, MedGen C4552004, MONDO:0008050, OMIM 160500.
Hypertrophic cardiomyopathy 1 (CMH1). Also called: MYH7-Related Familial Hypertrophic Cardiomyopathy; Familial hypertrophic cardiomyopathy 1. Identifiers: MedGen C3495498, MONDO:0008647, OMIM 192600.
Dilated cardiomyopathy 1S (CMD1S). Identifiers: Orphanet 154, Orphanet 54260, MedGen C1834481, MONDO:0013262, OMIM 613426.
Myopathy, myosin storage, autosomal recessive (CMYO7B). Also called: CONGENITAL MYOPATHY 7B, MYOSIN STORAGE, AUTOSOMAL RECESSIVE. Identifiers: Orphanet 636970, MedGen C1850709, MONDO:0009708, OMIM 255160.
Hypertrophic cardiomyopathy. Also called: HYPERTROPHIC MYOCARDIOPATHY. Identifiers: Orphanet 217569, MedGen C0007194, MeSH D002312, MONDO:0005045, HP:0001639.

Allele frequency attached by ClinVar (database versions not stated): TOPMed 0.00003; gnomAD exomes 0.00002; gnomAD 0.00004; ESP Exome Variant Server 0.00008; ExAC 0.00001.
gnomAD v4.1: 30 of 1,613,876 alleles (0.0019%); highest among the groups gnomAD compares: Non-Finnish European, 0.0023%; no homozygotes.

Submissions (9):

Ambry Genetics
Classification: Uncertain significance for Cardiovascular phenotype. Last evaluated: 2026-06-16. Review status: criteria provided, single submitter. Criteria: Ambry Variant Classification Scheme 2023. Collection method: clinical testing. Allele origin: germline.
Comment: The p.R1820Q variant (also known as c.5459G>A), located in coding exon 35 of the MYH7 gene, results from a G to A substitution at nucleotide position 5459. The arginine at codon 1820 is replaced by glutamine, an amino acid with highly similar properties. This alteration was detected in two of three siblings in a family, all of whom also carried the TIA1 p.E384K alteration. Phenotypes of the two siblings with both alterations included progressive asymmetric distal limb weakness, mild distal myopathy, supraventricular tachycardia and hypertrophic cardiomyopathy. The third sibling who only carried the TIA1 alteration had isolated distal myopathy (Brand P et al. Neuromuscul. Disord., 2016 08;26:511-5). This variant has also been reported in an individual with arrhythmogenic right ventricular cardiomyopathy (ARVC) and co-occurring DSG2 variants, as well as in an exome cohort with limited clinical details (Homburger JR et al. Proc Natl Acad Sci U S A, 2016 06;113:6701-6; Lin Y et al. J Electrocardiol Jun;51:837-843). This alteration also been reported in association with transposition of the great arteries (Blue GM et al. Am Heart J, 2022 Feb;244:1-13). This amino acid position is highly conserved in available vertebrate species. In addition, the in silico prediction for this alteration is inconclusive. Based on the available evidence, the clinical significance of this variant remains unclear.

Molecular Diagnostic Laboratory for Inherited Cardiovascular Disease, Montreal Heart Institute
Classification: Uncertain significance for Cardiovascular phenotype. Last evaluated: 2025-04-09. Review status: criteria provided, single submitter. Criteria: ACMG Guidelines, 2015. Collection method: clinical testing. Allele origin: germline. Affected: yes.

Labcorp Genetics (formerly Invitae), Labcorp
Classification: Likely pathogenic for Hypertrophic cardiomyopathy. Last evaluated: 2025-03-17. Review status: criteria provided, single submitter. Criteria: Invitae Variant Classification Sherloc (09022015). Collection method: clinical testing. Allele origin: germline.
Comment: This sequence change replaces arginine, which is basic and polar, with glutamine, which is neutral and polar, at codon 1820 of the MYH7 protein (p.Arg1820Gln). This variant is present in population databases (rs371855540, gnomAD 0.006%). This missense change has been observed in individual(s) with autosomal recessive MYH7-related conditions (PMID: 27282841). This variant has been reported in individual(s) with autosomal dominant hypertrophic cardiomyopathy (PMID: 37652022; internal data); however, the role of the variant in this condition is currently unclear. ClinVar contains an entry for this variant (Variation ID: 419278). Invitae Evidence Modeling of protein sequence and biophysical properties (such as structural, functional, and spatial information, amino acid conservation, physicochemical variation, residue mobility, and thermodynamic stability) indicates that this missense variant is expected to disrupt MYH7 protein function with a positive predictive value of 95%. This variant disrupts the p.Arg1820 amino acid residue in MYH7. Other variant(s) that disrupt this residue have been determined to be pathogenic (PMID: 25666907). This suggests that this residue is clinically significant, and that variants that disrupt this residue are likely to be disease-causing. In summary, the currently available evidence indicates that the variant is pathogenic, but additional data are needed to prove that conclusively. Therefore, this variant has been classified as Likely Pathogenic.

All of Us Research Program, National Institutes of Health
Classification: Uncertain significance for Cardiomyopathy. Last evaluated: 2024-07-20. Review status: criteria provided, single submitter. Criteria: ACMG Guidelines, 2015. Collection method: clinical testing. Allele origin: germline. Inheritance: Autosomal dominant inheritance. Observed: 8 variant alleles, 8 heterozygotes.
Comment: This missense variant replaces arginine with glutamine at codon 1820 of the MYH7 protein. Computational prediction tools indicate that this variant has a deleterious impact on protein structure and function. To our knowledge, functional studies have not been reported for this variant. This variant has been reported in an individual affected with distal myopathy and hypertrophic cardiomyopathy (PMID: 27282841), and in an individual affected with arrhythmogenic right ventricular cardiomyopathy (PMID: 30177324). This variant has been identified in 5/251346 chromosomes in the general population by the Genome Aggregation Database (gnomAD). The available evidence is insufficient to determine the role of this variant in disease conclusively. Therefore, this variant is classified as a Variant of Uncertain Significance.

This study involves interpretation of variants in research participants for the purpose of population health screening. Participant phenotype was not available at the time of variant classification. Additional details can be found in publication PMID: 35346344, PMCID: PMC8962531

Color Diagnostics, LLC DBA Color Health
Classification: Uncertain significance for Cardiomyopathy. Last evaluated: 2024-07-11. Review status: criteria provided, single submitter. Criteria: ACMG Guidelines, 2015. Collection method: clinical testing. Allele origin: germline.
Comment: This missense variant replaces arginine with glutamine at codon 1820 of the MYH7 protein. Computational prediction tools indicate that this variant has a deleterious impact on protein structure and function. To our knowledge, functional studies have not been reported for this variant. This variant has been reported in an individual affected with distal myopathy and hypertrophic cardiomyopathy (PMID: 27282841), and in an individual affected with arrhythmogenic right ventricular cardiomyopathy (PMID: 30177324). This variant has been identified in 5/251346 chromosomes in the general population by the Genome Aggregation Database (gnomAD). The available evidence is insufficient to determine the role of this variant in disease conclusively. Therefore, this variant is classified as a Variant of Uncertain Significance.

CHEO Genetics Diagnostic Laboratory, Children's Hospital of Eastern Ontario
Classification: Uncertain significance for Cardiomyopathy. Last evaluated: 2023-06-28. Review status: criteria provided, single submitter. Criteria: ACMG Guidelines, 2015. Collection method: clinical testing. Allele origin: germline.

Fulgent Genetics
Classification: Uncertain significance for MYH7-related skeletal myopathy; Myosin storage myopathy; Hypertrophic cardiomyopathy 1; Myopathy, myosin storage, autosomal recessive; Congenital myopathy 4A, autosomal dominant; Dilated cardiomyopathy 1S. Last evaluated: 2021-09-22. Review status: criteria provided, single submitter. Criteria: ACMG Guidelines, 2015. Collection method: clinical testing. Allele origin: unknown.

Laboratory for Molecular Medicine, Mass General Brigham Personalized Medicine
Classification: Uncertain significance. Last evaluated: 2019-07-26. Review status: criteria provided, single submitter. Criteria: LMM Criteria. Collection method: clinical testing. Allele origin: germline. Observed: 1 variant allele.
Comment: Variant classified as Uncertain Significance - Favor Pathogenic. The p.Arg1820Gln variant in MYH7 has been reported in 1 individual with both hypertrophic cardiomyopathy and distal myopathy as well as in one sibling with only myopathy; however, both individuals as well as a third affected sibling had an additional pathogenic variant sufficient to cause distal myopathy, but which has not been previously associated with cardiomyopathy (Brand 2016). It has also been reported in ClinVar (Variation ID #419278). Computational prediction tools and conservation analysis suggest that the p.Arg1820Gln variant may impact the protein, though this information is not predictive enough to determine pathogenicity. In summary, while there is some suspicion for a pathogenic role, the clinical significance of this variant is uncertain. ACMG/AMP Criteria Applied: PM2, PS4_Supporting, PP3.

GeneDx
Classification: Uncertain significance. Last evaluated: 2018-09-12. Review status: criteria provided, single submitter. Criteria: GeneDx Variant Classification (06012015). Collection method: clinical testing. Allele origin: germline. Affected: yes.
Comment: Brand et al. (2016) reported that all three siblings in this family also harbored a pathogenic missense variant in the TIA1 gene, which is associated with Welander distal myopathy, and this family had a paternal family history of cardiac disease but further segregation studies of the R1820Q variant were not reported. The R1820Q variant is not observed at a significant frequency in large population cohorts (Lek et al., 2016; 1000 Genomes Consortium et al., 2015; Exome Variant Server). Furthermore, R1820Q is a semi-conservative amino acid substitution, which may impact secondary protein structure as these residues differ in some properties, and this substitution occurs at a position that is conserved across species. Nevertheless, in silico analysis is inconsistent in its predictions as to whether or not the variant is damaging to the protein structure/function. Additionally, although a missense variant at the same residue in the MYH7 gene (R1820W) has been reported in the Human Gene Mutation Database in association with myopathy (Stenson et al., 2014), the clinical significance of this variant also remains to be definitively determined.

Literature cited by the submitters: PubMed 27247418 (cited by Ambry Genetics); PubMed 27282841 (cited by 5 submitters); PubMed 30177324 (cited by 3 submitters); PubMed 31321302 (cited by Ambry Genetics); PubMed 34670123 (cited by Ambry Genetics); PubMed 37652022 (cited by Labcorp Genetics (formerly Invitae), Labcorp); PubMed 25666907 (cited by Labcorp Genetics (formerly Invitae), Labcorp).

NM_000257.4(MYH7):c.5459G>A (p.Arg1820Gln)

Gene: MYH7 (myosin heavy chain 7; minus strand). Cytogenetic location: 14q11.2.
Variant type: single nucleotide variant.
Coding change: c.5459G>A on transcript NM_000257.4 (MANE Select); coding-DNA position 5459, G replaced by A.
Protein change: p.Arg1820Gln; replaces arginine 1820 with glutamine.
Molecular consequence: missense variant.
Genome position (GRCh38, 1-based): chr14:23,415,095, C>T on the plus strand (G>A on the coding strand, the complement: MYH7 is on the minus strand). VCF-style: chr14-23415095-C-T. GRCh37 (hg19) VCF-style: chr14-23884304-C-T.
Other names: short protein forms R1820Q.
Identifiers: ClinVar variation 419278 (VCV000419278.26), dbSNP rs371855540, ClinGen allele CA046848.